The following is an entry in ClinVar:

ClinVar aggregate classification (germline): Uncertain significance (1 of 4 stars; one submission).

Submission:

Labcorp Genetics (formerly Invitae), Labcorp
Classification: Uncertain significance. Last evaluated: 2022-07-21. Review status: criteria provided, single submitter. Criteria: Invitae Variant Classification Sherloc (09022015). Collection method: clinical testing. Allele origin: germline.
Comment: In summary, the available evidence is currently insufficient to determine the role of this variant in disease. Therefore, it has been classified as a Variant of Uncertain Significance. Algorithms developed to predict the effect of sequence changes on RNA splicing suggest that this variant may disrupt the consensus splice site. This variant has not been reported in the literature in individuals affected with SLC26A3-related conditions. This variant is not present in population databases (gnomAD no frequency). This sequence change affects codon 297 of the SLC26A3 mRNA. It is a 'silent' change, meaning that it does not change the encoded amino acid sequence of the SLC26A3 protein.

NM_000111.3(SLC26A3):c.891C>A (p.Thr297=)

Gene: SLC26A3 (solute carrier family 26 member 3; minus strand). Cytogenetic location: 7q22.3.
Variant type: single nucleotide variant.
Coding change: c.891C>A on transcript NM_000111.3 (MANE Select); coding-DNA position 891, C replaced by A.
Protein change: p.Thr297=; no amino-acid change (threonine 297 retained).
Molecular consequence: synonymous variant.
Genome position (GRCh38, 1-based): chr7:107,786,907, G>T on the plus strand (C>A on the coding strand, the complement: SLC26A3 is on the minus strand). VCF-style: chr7-107786907-G-T. GRCh37 (hg19) VCF-style: chr7-107427352-G-T.
Identifiers: ClinVar variation 2018608 (VCV002018608.4), dbSNP rs367700437, ClinGen allele CA457108216.